The following is an entry in ClinVar:

ClinVar aggregate classification (germline): Uncertain significance (1 of 4 stars; one submission).

Conditions:
Peroxisome biogenesis disorder 11A (Zellweger). Also called: Peroxisome biogenesis disorder 11A. Identifiers: Orphanet 912, MedGen C3554000, MONDO:0013949, OMIM 614883.

Allele frequency attached by ClinVar (database versions not stated): TOPMed below 0.00001; gnomAD 0.00001.

Submission:

Labcorp Genetics (formerly Invitae), Labcorp
Classification: Uncertain significance for Peroxisome biogenesis disorder 11A (Zellweger). Last evaluated: 2019-12-03. Review status: criteria provided, single submitter. Criteria: Invitae Variant Classification Sherloc (09022015). Collection method: clinical testing. Allele origin: germline.
Comment: Algorithms developed to predict the effect of missense changes on protein structure and function (SIFT, PolyPhen-2, Align-GVGD) all suggest that this variant is likely to be tolerated, but these predictions have not been confirmed by published functional studies and their clinical significance is uncertain. In summary, the available evidence is currently insufficient to determine the role of this variant in disease. Therefore, it has been classified as a Variant of Uncertain Significance. This variant has not been reported in the literature in individuals with PEX13-related conditions. This variant is not present in population databases (ExAC no frequency). This sequence change replaces threonine with isoleucine at codon 323 of the PEX13 protein (p.Thr323Ile). The threonine residue is moderately conserved and there is a moderate physicochemical difference between threonine and isoleucine.

NM_002618.4(PEX13):c.968C>T (p.Thr323Ile)

Gene: PEX13 (peroxisomal biogenesis factor 13; plus strand). Cytogenetic location: 2p15.
Variant type: single nucleotide variant.
Coding change: c.968C>T on transcript NM_002618.4 (MANE Select); coding-DNA position 968, C replaced by T.
Protein change: p.Thr323Ile; replaces threonine 323 with isoleucine.
Molecular consequence: missense variant.
Genome position (GRCh38, 1-based): chr2:61,048,526, C>T. VCF-style: chr2-61048526-C-T. GRCh37 (hg19) VCF-style: chr2-61275661-C-T.
Other names: short protein forms T323I.
Identifiers: ClinVar variation 846937 (VCV000846937.9), dbSNP rs1559047077, ClinGen allele CA346949692.